The following is an entry in ClinVar:

ClinVar aggregate classification (germline): Uncertain significance. Review status: criteria provided, multiple submitters, no conflicts (2 of 4 stars). 2 submissions from 2 submitters: Uncertain significance (2). Last evaluated 2025-09-27.

Conditions:
Baller-Gerold syndrome (BGS). Also called: CRANIOSYNOSTOSIS WITH RADIAL DEFECTS. Identifiers: Orphanet 1225, MedGen C0265308, MONDO:0009039, OMIM 218600.
Inborn genetic diseases. Identifiers: MedGen C0950123, MeSH D030342.

Submissions (2):

Ambry Genetics
Classification: Uncertain significance for Inborn genetic diseases. Last evaluated: 2025-09-27. Review status: criteria provided, single submitter. Criteria: Ambry Variant Classification Scheme 2023. Collection method: clinical testing. Allele origin: germline.
Comment: The p.A743D variant (also known as c.2228C>A), located in coding exon 14 of the RECQL4 gene, results from a C to A substitution at nucleotide position 2228. The alanine at codon 743 is replaced by aspartic acid, an amino acid with dissimilar properties. This amino acid position is conserved. In addition, this alteration is predicted to be deleterious by in silico analysis. Based on the available evidence, the clinical significance of this variant remains unclear.

Labcorp Genetics (formerly Invitae), Labcorp
Classification: Uncertain significance for Baller-Gerold syndrome. Last evaluated: 2020-10-10. Review status: criteria provided, single submitter. Criteria: Invitae Variant Classification Sherloc (09022015). Collection method: clinical testing. Allele origin: germline.
Comment: This variant is not present in population databases (ExAC no frequency). This sequence change replaces alanine with aspartic acid at codon 743 of the RECQL4 protein (p.Ala743Asp). The alanine residue is highly conserved and there is a moderate physicochemical difference between alanine and aspartic acid. This variant has not been reported in the literature in individuals with RECQL4-related conditions. Experimental studies and prediction algorithms are not available or were not evaluated, and the functional significance of this variant is currently unknown. In summary, the available evidence is currently insufficient to determine the role of this variant in disease. Therefore, it has been classified as a Variant of Uncertain Significance.

NM_004260.4(RECQL4):c.2228C>A (p.Ala743Asp)

Gene: RECQL4 (RecQ like helicase 4; minus strand). Cytogenetic location: 8q24.3.
Variant type: single nucleotide variant.
Coding change: c.2228C>A on transcript NM_004260.4 (MANE Select); coding-DNA position 2228, C replaced by A.
Protein change: p.Ala743Asp; replaces alanine 743 with aspartic acid.
Molecular consequence: missense variant.
Genome position (GRCh38, 1-based): chr8:144,513,453, G>T on the plus strand (C>A on the coding strand, the complement: RECQL4 is on the minus strand). VCF-style: chr8-144513453-G-T. GRCh37 (hg19) VCF-style: chr8-145738837-G-T.
Other names: c.2228C>A (NM_004260.3); short protein forms A743D.
Identifiers: ClinVar variation 1046038 (VCV001046038.4), dbSNP rs781675349, ClinGen allele CA372678524.